The following is an entry in ClinVar:

NM_000260.4(MYO7A):c.6640_6642del (p.Gly2214del)

Gene: MYO7A (myosin VIIA; plus strand). Cytogenetic location: 11q13.5.
Variant type: Deletion.
Coding change: c.6640_6642del on transcript NM_000260.4 (MANE Select); coding-DNA positions 6640 to 6642, 3 bases deleted (GGC; older notation c.6640_6642delGGC).
Protein change: p.Gly2214del; deletes glycine 2214.
Molecular consequence: inframe deletion.
Genome position (GRCh38, 1-based): chr11:77,214,688-77,214,690, GGC deleted; deleting any 3 consecutive bases within chr11:77,214,686-77,214,690 gives the same sequence; the c. name uses the placement nearest the transcript's 3' end. VCF-style (leftmost placement, unchanged base first): chr11-77214685-AGCG-A. GRCh37 (hg19) VCF-style: chr11-76925730-AGCG-A.
Other names: c.6520_6522del, p.Gly2174del (NM_001127180.2); c.6493_6495del, p.Gly2165del (NM_001369365.1); short protein forms G2174del, G2165del, G2214del.
Identifiers: ClinVar variation 2756722 (VCV002756722.3), dbSNP rs746828146, ClinGen allele CA6199143.

ClinVar aggregate classification (germline): Uncertain significance (1 of 4 stars; one submission).

Submission:

Labcorp Genetics (formerly Invitae), Labcorp
Classification: Uncertain significance. Last evaluated: 2023-08-30. Review status: criteria provided, single submitter. Criteria: Invitae Variant Classification Sherloc (09022015). Collection method: clinical testing. Allele origin: germline.
Comment: In summary, the available evidence is currently insufficient to determine the role of this variant in disease. Therefore, it has been classified as a Variant of Uncertain Significance. Experimental studies and prediction algorithms are not available or were not evaluated, and the functional significance of this variant is currently unknown. This variant has not been reported in the literature in individuals affected with MYO7A-related conditions. This variant is not present in population databases (gnomAD no frequency). This variant, c.6640_6642del, results in the deletion of 1 amino acid(s) of the MYO7A protein (p.Gly2214del), but otherwise preserves the integrity of the reading frame.